The following is an entry in ClinVar:

ClinVar aggregate classification (germline): Pathogenic (1 of 4 stars; one submission).

Conditions:
Duchenne muscular dystrophy (DMD). Also called: MUSCULAR DYSTROPHY, PSEUDOHYPERTROPHIC PROGRESSIVE, DUCHENNE TYPE; Duchenne Muscular Dystrophy (DMD). Identifiers: Orphanet 98896, MedGen C0013264, MONDO:0010679, OMIM 310200.

Submission:

Labcorp Genetics (formerly Invitae), Labcorp
Classification: Pathogenic for Duchenne muscular dystrophy. Last evaluated: 2023-06-20. Review status: criteria provided, single submitter. Criteria: Invitae Variant Classification Sherloc (09022015). Collection method: clinical testing. Allele origin: unknown.
Comment: This variant results in the deletion of exons 3-4 and part of exon 6 (c.94-72096_303del) of the DMD gene. It is expected to disrupt RNA splicing. Variants that disrupt the donor or acceptor splice site typically lead to a loss of protein function (PMID: 16199547), and loss-of-function variants in DMD are known to be pathogenic (PMID: 16770791, 25007885). This variant has not been reported in the literature in individuals affected with DMD-related conditions. This variant disrupts a region of the DMD protein in which other variant(s) (Deletion of Exon 4) have been determined to be pathogenic (PMID: 15528988, 21515508, 31705731). This suggests that this is a clinically significant region of the protein, and that variants that disrupt it are likely to be disease-causing. For these reasons, this variant has been classified as Pathogenic.

Literature cited by the submitters: PubMed 16199547; PubMed 16770791; PubMed 25007885; PubMed 15528988; PubMed 21515508; PubMed 31705731.

NC_000023.10:g.(?_32841466)_(32940033_?)del

Gene: DMD (dystrophin; minus strand). Cytogenetic location: Xp21.1.
Variant type: Deletion.
Identifiers: ClinVar variation 3243549 (VCV003243549.1).